The following is an entry in ClinVar:

NM_000271.5(NPC1):c.2605-5T>C

Gene: NPC1 (NPC intracellular cholesterol transporter 1; minus strand). Cytogenetic location: 18q11.2.
Variant type: single nucleotide variant.
Coding change: c.2605-5T>C on transcript NM_000271.5 (MANE Select); 5 bases into the intron before coding-DNA position 2605, T replaced by C.
Molecular consequence: intron variant.
Genome position (GRCh38, 1-based): chr18:23,540,006, A>G on the plus strand (T>C on the coding strand, the complement: NPC1 is on the minus strand). VCF-style: chr18-23540006-A-G. GRCh37 (hg19) VCF-style: chr18-21119970-A-G.
Identifiers: ClinVar variation 5000439 (VCV005000439.1).

ClinVar aggregate classification (germline): Likely benign (1 of 4 stars; one submission).

Conditions:
NPC1-related disorder. Also called: NPC1-related condition.

Submission:

PreventionGenetics, part of Exact Sciences
Classification: Likely benign for NPC1-related condition. Last evaluated: 2025-01-06. Review status: criteria provided, single submitter. Criteria: ACMG Guidelines, 2015. Collection method: clinical testing. Allele origin: germline.
Comment: This variant is classified as likely benign based on ACMG/AMP sequence variant interpretation guidelines (Richards et al. 2015 PMID: 25741868, with internal and published modifications).